The following is an entry in ClinVar:

ClinVar aggregate classification (germline): Uncertain significance. Review status: criteria provided, multiple submitters, no conflicts (2 of 4 stars). 2 submissions from 2 submitters: Uncertain significance (2). Last evaluated 2026-09-08.

Conditions:
Fabry disease. Also called: Fabry's disease; ALPHA-GALACTOSIDASE A DEFICIENCY; ANDERSON-FABRY DISEASE; CERAMIDE TRIHEXOSIDASE DEFICIENCY; Ceramide trihexosidosis; GLA DEFICIENCY. Identifiers: Orphanet 324, MedGen C0002986, MONDO:0010526, OMIM 301500, HP:0001071. Disease mechanism: Fabry disease is due to inactivating mutations in the X-linked GLA gene resulting in deficiency of the enzyme Alpha Galactosidase-A., loss of function.
GLA-related disorder. Also called: GLA-related condition.

Allele frequency attached by ClinVar (database versions not stated): gnomAD exomes below 0.00001.
gnomAD v4.1: 1 of 1,206,002 alleles (0.000083%); highest among the groups gnomAD compares: Non-Finnish European, 0.00011%; no homozygotes.

Submissions (2):

Genomenon, Inc
Classification: Uncertain significance for Fabry disease. Last evaluated: 2026-09-08. Review status: criteria provided, single submitter. Criteria: Genomenon Sequence Variant Interpretation Standards - Updated. Collection method: curation. Allele origin: germline. Affected: no.
Comment: GLA c.547+4A>C is an intronic variant located in the donor splice region of intron 3. This variant has been reported in the published literature (PMID:39336803). It is absent or not present at a significant frequency in gnomAD. In conclusion, we classify GLA c.547+4A>C as a variant of uncertain significance.

PreventionGenetics, part of Exact Sciences
Classification: Uncertain significance for GLA-related condition. Last evaluated: 2023-07-12. Review status: criteria provided, single submitter. Criteria: ACMG Guidelines, 2015. Collection method: clinical testing. Allele origin: germline.
Comment: The GLA c.547+4A>C variant is predicted to interfere with splicing. To our knowledge, this variant has not been reported in the literature or in a large population database, indicating this variant is rare. At this time, the clinical significance of this variant is uncertain due to the absence of conclusive functional and genetic evidence.

Literature cited by the submitters: PubMed 39336803 (cited by Genomenon, Inc).

NM_000169.3(GLA):c.547+4A>C

Genes: GLA (galactosidase alpha; minus strand), RPL36A-HNRNPH2 (RPL36A-HNRNPH2 readthrough; plus strand). Cytogenetic location: Xq22.1.
Variant type: single nucleotide variant.
Coding change: c.547+4A>C on transcript NM_000169.3 (MANE Select); 4 bases into the intron after coding-DNA position 547, A replaced by C.
Molecular consequence: intron variant. On other transcripts: missense variant (1).
Genome position (GRCh38, 1-based): chrX:101,401,628, T>G on the plus strand (A>C on the coding strand, the complement: GLA is on the minus strand). VCF-style: chrX-101401628-T-G. GRCh37 (hg19) VCF-style: chrX-100656616-T-G.
Other names: c.674A>C, p.Asn225Thr (NM_001406749.1); c.300+6171T>G (NM_001199973.2); c.177+9806T>G (NM_001199974.2); c.670+4A>C (NM_001406747.1); c.547+4A>C (NM_001406748.1); short protein forms N225T.
Identifiers: ClinVar variation 2631565 (VCV002631565.3), dbSNP rs2520894532, ClinGen allele CA2694298989.